The following is an entry in ClinVar:

ClinVar aggregate classification (germline): Uncertain significance. Review status: criteria provided, multiple submitters, no conflicts (2 of 4 stars). 2 submissions from 2 submitters: Uncertain significance (2). Last evaluated 2024-07-25.

Allele frequency attached by ClinVar (database versions not stated): gnomAD exomes below 0.00001 and 0.00001; gnomAD 0.00001; TOPMed 0.00002.

Submissions (2):

Blueprint Genetics
Classification: Uncertain significance. Last evaluated: 2024-07-25. Review status: criteria provided, single submitter. Criteria: ACMG Guidelines, 2015. Collection method: clinical testing. Allele origin: germline.

Labcorp Genetics (formerly Invitae), Labcorp
Classification: Uncertain significance. Last evaluated: 2020-01-28. Review status: criteria provided, single submitter. Criteria: Invitae Variant Classification Sherloc (09022015). Collection method: clinical testing. Allele origin: germline.
Comment: In summary, the available evidence is currently insufficient to determine the role of this variant in disease. Therefore, it has been classified as a Variant of Uncertain Significance. This variant has not been reported in the literature in individuals with RBP3-related conditions. This sequence change replaces glycine with glutamic acid at codon 287 of the RBP3 protein (p.Gly287Glu). The glycine residue is moderately conserved and there is a moderate physicochemical difference between glycine and glutamic acid. Algorithms developed to predict the effect of missense changes on protein structure and function are either unavailable or do not agree on the potential impact of this missense change (SIFT: "Tolerated"; PolyPhen-2: "Probably Damaging"; Align-GVGD: "Class C0"). This variant is not present in population databases (ExAC no frequency).

NM_002900.3(RBP3):c.860G>A (p.Gly287Glu)

Gene: RBP3 (retinol binding protein 3; plus strand). Cytogenetic location: 10q11.22.
Variant type: single nucleotide variant.
Coding change: c.860G>A on transcript NM_002900.3 (MANE Select); coding-DNA position 860, G replaced by A.
Protein change: p.Gly287Glu; replaces glycine 287 with glutamic acid.
Molecular consequence: missense variant.
Genome position (GRCh38, 1-based): chr10:47,349,344, G>A. VCF-style: chr10-47349344-G-A. GRCh37 (hg19) VCF-style: chr10-48390018-C-T.
Other names: short protein forms G287E.
Identifiers: ClinVar variation 963880 (VCV000963880.10), dbSNP rs1555211062, ClinGen allele CA376666954.